The following is an entry in ClinVar:

ClinVar aggregate classification (germline): Conflicting classifications of pathogenicity. Review status: criteria provided, conflicting classifications (1 of 4 stars). 3 submissions from 3 submitters: Likely pathogenic (2); Uncertain significance (1). Last evaluated 2026-01-01.

Conditions:
Tatton-Brown-Rahman overgrowth syndrome. Also called: Tall stature-intellectual disability-facial dysmorphism syndrome; Tatton-Brown-Rahman syndrome. Identifiers: Orphanet 404443, MedGen C4014545, MONDO:0014382, OMIM 615879.

gnomAD v4.1: 11 of 1,613,624 alleles (0.00068%); highest among the groups gnomAD compares: Admixed American, 0.0017%; no homozygotes.

Submissions (3):

CeGaT Center for Human Genetics Tuebingen
Classification: Likely pathogenic. Last evaluated: 2026-01-01. Review status: criteria provided, single submitter. Criteria: CeGaT Center For Human Genetics Tuebingen Variant Classification Criteria Version 2. Collection method: clinical testing. Allele origin: germline. Affected: yes. Observed: 1 variant allele.
Comment: DNMT3A: PM1, PM5, PS2:Moderate, PM2:Supporting, PP3, PS4:Supporting

Labcorp Genetics (formerly Invitae), Labcorp
Classification: Uncertain significance for Tatton-Brown-Rahman overgrowth syndrome. Last evaluated: 2023-09-20. Review status: criteria provided, single submitter. Criteria: Invitae Variant Classification Sherloc (09022015). Collection method: clinical testing. Allele origin: germline.
Comment: In summary, the available evidence is currently insufficient to determine the role of this variant in disease. Therefore, it has been classified as a Variant of Uncertain Significance. This variant disrupts the p.Arg882 amino acid residue in DNMT3A. Other variant(s) that disrupt this residue have been determined to be pathogenic (PMID: 27317772, 28432085). This suggests that this residue is clinically significant, and that variants that disrupt this residue are likely to be disease-causing. Advanced modeling of protein sequence and biophysical properties (such as structural, functional, and spatial information, amino acid conservation, physicochemical variation, residue mobility, and thermodynamic stability) performed at Invitae indicates that this missense variant is expected to disrupt DNMT3A protein function. ClinVar contains an entry for this variant (Variation ID: 375884). This missense change has been observed in individual(s) with clinical features of Tatton-Brown-Rahman syndrome (PMID: 34092059). This variant is present in population databases (no rsID available, gnomAD 0.01%). This sequence change replaces arginine, which is basic and polar, with serine, which is neutral and polar, at codon 882 of the DNMT3A protein (p.Arg882Ser).

Revvity Omics, Revvity
Classification: Likely pathogenic. Last evaluated: 2020-12-18. Review status: criteria provided, single submitter. Criteria: ACMG Guidelines, 2015. Collection method: clinical testing. Allele origin: germline.

Literature cited by the submitters: PubMed 27317772 (cited by Labcorp Genetics (formerly Invitae), Labcorp); PubMed 28432085 (cited by Labcorp Genetics (formerly Invitae), Labcorp); PubMed 34092059 (cited by Labcorp Genetics (formerly Invitae), Labcorp).

NM_022552.5(DNMT3A):c.2644C>A (p.Arg882Ser)

Gene: DNMT3A (DNA methyltransferase 3 alpha; minus strand). Cytogenetic location: 2p23.3.
Variant type: single nucleotide variant.
Coding change: c.2644C>A on transcript NM_022552.5 (MANE Select); coding-DNA position 2644, C replaced by A.
Protein change: p.Arg882Ser; replaces arginine 882 with serine.
Molecular consequence: missense variant. On other transcripts: non-coding transcript variant (1).
Genome position (GRCh38, 1-based): chr2:25,234,374, G>T on the plus strand (C>A on the coding strand, the complement: DNMT3A is on the minus strand). VCF-style: chr2-25234374-G-T. GRCh37 (hg19) VCF-style: chr2-25457243-G-T.
Other names: c.2188C>A, p.Arg730Ser (NM_001320893.1); c.1975C>A, p.Arg659Ser (NM_001375819.1); c.2077C>A, p.Arg693Ser (NM_153759.3); c.2644C>A, p.Arg882Ser (NM_175629.2); short protein forms R693S, R882S, R730S, R659S.
Identifiers: ClinVar variation 375884 (VCV000375884.12), dbSNP rs377577594, ClinGen allele CA16602367.
Genomic context (GRCh38, chr2:25,234,374, plus strand): 5'-AGAGGTGGCGGATGACTGGCACGCTCCATGACCGGCCCAGCAGTCTCTGCCTCGCCAAGC[G>T]GCTCATGTTGGAGACGTCAGTATAGTGGACTGGGAAACCAAATACCCTGGGGGAGAAAAG-3'
Protein context (NP_072046.2, residues 872-892): VHYTDVSNMS[Arg882Ser]LARQRLLGRS